The following is an entry in ClinVar:

NM_002528.7(NTHL1):c.419C>T (p.Ala140Val)

Gene: NTHL1 (nth like DNA glycosylase 1; minus strand). Cytogenetic location: 16p13.3.
Variant type: single nucleotide variant.
Coding change: c.419C>T on transcript NM_002528.7 (MANE Select); coding-DNA position 419, C replaced by T.
Protein change: p.Ala140Val; replaces alanine 140 with valine.
Molecular consequence: missense variant. On other transcripts: intron variant (1).
Genome position (GRCh38, 1-based): chr16:2,044,736, G>A on the plus strand (C>T on the coding strand, the complement: NTHL1 is on the minus strand). VCF-style: chr16-2044736-G-A. GRCh37 (hg19) VCF-style: chr16-2094737-G-A.
Other names: c.89C>T, p.Ala30Val (NM_001318194.2); c.355-1010C>T (NM_001318193.2); short protein forms A30V, A140V.
Identifiers: ClinVar variation 1007163 (VCV001007163.11), dbSNP rs750992242, ClinGen allele CA7828268.

ClinVar aggregate classification (germline): Uncertain significance. Review status: criteria provided, multiple submitters, no conflicts (2 of 4 stars). 3 submissions from 3 submitters: Uncertain significance (3). Last evaluated 2024-11-18.

Conditions:
Hereditary cancer-predisposing syndrome. Also called: Neoplastic Syndromes, Hereditary; Hereditary neoplastic syndrome; Tumor predisposition; Hereditary Cancer Syndrome. Identifiers: Orphanet 140162, MedGen C0027672, MeSH D009386, MONDO:0015356.
Familial adenomatous polyposis 3. Also called: NTHL1-related attenuated familial adenomatous polyposis; NTHL1-associated polyposis; NTHL1-Related Adenomatous Polyposis and Colorectal Cancer; NTHL1 Tumor Syndrome. Identifiers: Orphanet 220460, Orphanet 454840, MedGen C4225157, MONDO:0014630, OMIM 616415.

Allele frequency attached by ClinVar (database versions not stated): gnomAD 0.00001; gnomAD exomes 0.00001 and 0.00002; ExAC 0.00002.
gnomAD v4.1: 28 of 1,612,140 alleles (0.0017%); highest among the groups gnomAD compares: East Asian, 0.0022%; no homozygotes.

Submissions (4):

Labcorp Genetics (formerly Invitae), Labcorp
Classification: Uncertain significance. Last evaluated: 2024-11-18. Review status: criteria provided, single submitter. Criteria: Invitae Variant Classification Sherloc (09022015). Collection method: clinical testing. Allele origin: germline.
Comment: This sequence change replaces alanine, which is neutral and non-polar, with valine, which is neutral and non-polar, at codon 148 of the NTHL1 protein (p.Ala148Val). This variant is present in population databases (rs750992242, gnomAD 0.002%). This variant has not been reported in the literature in individuals affected with NTHL1-related conditions. ClinVar contains an entry for this variant (Variation ID: 1007163). An algorithm developed to predict the effect of missense changes on protein structure and function (PolyPhen-2) suggests that this variant is likely to be disruptive. In summary, the available evidence is currently insufficient to determine the role of this variant in disease. Therefore, it has been classified as a Variant of Uncertain Significance.

Baylor Genetics
Classification: Uncertain significance for Familial adenomatous polyposis 3. Last evaluated: 2024-02-21. Review status: criteria provided, single submitter. Criteria: ACMG Guidelines, 2015. Collection method: clinical testing. Allele origin: unknown.

Ambry Genetics
Classification: Uncertain significance for Hereditary cancer-predisposing syndrome. Last evaluated: 2024-02-15. Review status: criteria provided, single submitter. Criteria: Ambry Variant Classification Scheme 2023. Collection method: clinical testing. Allele origin: germline.
Comment: The p.A148V variant (also known as c.443C>T), located in coding exon 3 of the NTHL1 gene, results from a C to T substitution at nucleotide position 443. The alanine at codon 148 is replaced by valine, an amino acid with similar properties. This amino acid position is well conserved in available vertebrate species. In addition, the in silico prediction for this alteration is inconclusive. Based on the available evidence, the clinical significance of this alteration remains unclear.

Dr. Peter K. Rogan Lab, Western University
No classification provided (evidence only). Condition: Acute myeloid leukemia. Review status: no classification provided. Collection method: in vitro. Allele origin: not applicable. Functional consequence: skipped exon. Not counted in ClinVar's aggregate classification.